The following is an entry in ClinVar:

NM_001378454.1(ALMS1):c.4544del (p.Ala1515fs)

Gene: ALMS1 (ALMS1 centrosome and basal body associated protein; plus strand). Cytogenetic location: 2p13.1.
Variant type: Deletion.
Coding change: c.4544del on transcript NM_001378454.1 (MANE Select); coding-DNA position 4544, one base deleted (C; older notation c.4544delC).
Protein change: p.Ala1515fs; shifts the reading frame from alanine 1515.
Molecular consequence: frameshift variant.
Genome position (GRCh38, 1-based): chr2:73,451,071, C deleted. VCF-style (leftmost placement, unchanged base first): chr2-73451070-GC-G. GRCh37 (hg19) VCF-style: chr2-73678197-GC-G.
Other names: p.Ala1515AspfsTer4; c.4547del, p.Ala1516fs (NM_015120.4); short protein forms A1515fs, A1516fs.
Identifiers: ClinVar variation 1451744 (VCV001451744.6), dbSNP rs745461983, ClinGen allele CA1713724.

ClinVar aggregate classification (germline): Pathogenic/Likely pathogenic. Review status: criteria provided, multiple submitters, no conflicts (2 of 4 stars). 2 submissions from 2 submitters: Pathogenic (1); Likely pathogenic (1). Last evaluated 2026-02-27.

Conditions:
Alstrom syndrome (ALMS). Identifiers: Orphanet 64, MedGen C0268425, MONDO:0008763, OMIM 203800.

Allele frequency attached by ClinVar (database versions not stated): gnomAD exomes below 0.00001 and 0.00001; ExAC 0.00002.

Submissions (2):

Foundation for Research in Genetics and Endocrinology, FRIGE's Institute of Human Genetics
Classification: Likely pathogenic for Alstrom syndrome. Last evaluated: 2026-02-27. Review status: criteria provided, single submitter. Criteria: ACMG Guidelines, 2015. Collection method: clinical testing. Allele origin: germline. Inheritance: Autosomal recessive inheritance. Affected: yes. Observed: 1 variant allele, 1 homozygote.
Comment: A homozygous 1 base pair deletion in exon 8 of the ALMS1 gene that results in a frameshift and premature truncation of the protein 4 amino acids downstream to codon 1515 (p.Ala1515AspfsTer4) was detected. The observed variant has not been reported in the 1000 genomes, gnomAD (v3.1) and topmed databases and has a minor allele frequency of 0.00080% in the gnomAD (v2.1) databases. The reference region is conserved across species. In summary, the variant meets our criteria to be classified as likely pathogenic.

Labcorp Genetics (formerly Invitae), Labcorp
Classification: Pathogenic for Alstrom syndrome. Last evaluated: 2021-07-12. Review status: criteria provided, single submitter. Criteria: Invitae Variant Classification Sherloc (09022015). Collection method: clinical testing. Allele origin: germline.
Comment: This sequence change creates a premature translational stop signal (p.Ala1516Aspfs*4) in the ALMS1 gene. It is expected to result in an absent or disrupted protein product. Loss-of-function variants in ALMS1 are known to be pathogenic (PMID: 17594715). This variant is present in population databases (rs745461983, ExAC 0.01%). This variant has not been reported in the literature in individuals affected with ALMS1-related conditions. For these reasons, this variant has been classified as Pathogenic.

Literature cited by the submitters: PubMed 17594715 (cited by Labcorp Genetics (formerly Invitae), Labcorp).